The following is an entry in ClinVar:

ClinVar aggregate classification (germline): Uncertain significance. Review status: criteria provided, multiple submitters, no conflicts (2 of 4 stars). 2 submissions from 2 submitters: Uncertain significance (2). Last evaluated 2022-10-24.

Allele frequency attached by ClinVar (database versions not stated): ExAC 0.00002; gnomAD 0.00002 and 0.00003; gnomAD exomes 0.00002; TOPMed 0.00002.
gnomAD v4.1: 32 of 1,614,078 alleles (0.002%); highest among the groups gnomAD compares: South Asian, 0.0044%; no homozygotes.

Submissions (2):

Labcorp Genetics (formerly Invitae), Labcorp
Classification: Uncertain significance. Last evaluated: 2022-10-24. Review status: criteria provided, single submitter. Criteria: Invitae Variant Classification Sherloc (09022015). Collection method: clinical testing. Allele origin: germline.
Comment: This sequence change replaces glutamic acid, which is acidic and polar, with alanine, which is neutral and non-polar, at codon 343 of the SPART protein (p.Glu343Ala). This variant is present in population databases (rs746750857, gnomAD 0.006%). This variant has not been reported in the literature in individuals affected with SPART-related conditions. ClinVar contains an entry for this variant (Variation ID: 1307563). Advanced modeling of protein sequence and biophysical properties (such as structural, functional, and spatial information, amino acid conservation, physicochemical variation, residue mobility, and thermodynamic stability) performed at Invitae indicates that this missense variant is not expected to disrupt SPART protein function. In summary, the available evidence is currently insufficient to determine the role of this variant in disease. Therefore, it has been classified as a Variant of Uncertain Significance.

GeneDx
Classification: Uncertain significance. Last evaluated: 2019-08-12. Review status: criteria provided, single submitter. Criteria: GeneDx Variant Classification Process June 2021. Collection method: clinical testing. Allele origin: germline. Affected: yes.
Comment: Not observed in large population cohorts (Lek et al., 2016); In silico analysis, which includes protein predictors and evolutionary conservation, supports that this variant does not alter protein structure/function; Has not been previously published as pathogenic or benign to our knowledge

NM_015087.5(SPART):c.1028A>C (p.Glu343Ala)

Gene: SPART (spartin; minus strand). Cytogenetic location: 13q13.3.
Variant type: single nucleotide variant.
Coding change: c.1028A>C on transcript NM_015087.5 (MANE Select); coding-DNA position 1028, A replaced by C.
Protein change: p.Glu343Ala; replaces glutamic acid 343 with alanine.
Molecular consequence: missense variant.
Genome position (GRCh38, 1-based): chr13:36,329,498, T>G on the plus strand (A>C on the coding strand, the complement: SPART is on the minus strand). VCF-style: chr13-36329498-T-G. GRCh37 (hg19) VCF-style: chr13-36903635-T-G.
Other names: c.1028A>C, p.Glu343Ala (NM_001142294.2, NM_001142295.2, NM_001142296.2); short protein forms E343A.
Identifiers: ClinVar variation 1307563 (VCV001307563.3), dbSNP rs746750857, ClinGen allele CA6949501.